The following is an entry in ClinVar:

ClinVar aggregate classification (germline): Uncertain significance (1 of 4 stars; one submission).

Conditions:
DOCK6-related disorder. Also called: DOCK6-related condition.

Submission:

PreventionGenetics, part of Exact Sciences
Classification: Uncertain significance for DOCK6-related condition. Last evaluated: 2024-11-14. Review status: criteria provided, single submitter. Criteria: ACMG Guidelines, 2015. Collection method: clinical testing. Allele origin: germline.
Comment: The DOCK6 c.1795A>C variant is predicted to result in the amino acid substitution p.Thr599Pro. To our knowledge, this variant has not been reported in the literature or in a large population database (gnomAD), indicating this variant is rare. At this time, the clinical significance of this variant is uncertain due to the absence of conclusive functional and genetic evidence.

NM_020812.4(DOCK6):c.1795A>C (p.Thr599Pro)

Gene: DOCK6 (dedicator of cytokinesis 6; minus strand). Cytogenetic location: 19p13.2.
Variant type: single nucleotide variant.
Coding change: c.1795A>C on transcript NM_020812.4 (MANE Select); coding-DNA position 1795, A replaced by C.
Protein change: p.Thr599Pro; replaces threonine 599 with proline.
Molecular consequence: missense variant.
Genome position (GRCh38, 1-based): chr19:11,238,082, T>G on the plus strand (A>C on the coding strand, the complement: DOCK6 is on the minus strand). VCF-style: chr19-11238082-T-G. GRCh37 (hg19) VCF-style: chr19-11348758-T-G.
Other names: c.1795A>C, p.Thr599Pro (NM_001367830.1); short protein forms T599P.
Identifiers: ClinVar variation 4987208 (VCV004987208.1).